The following is an entry in ClinVar:

ClinVar aggregate classification (germline): Benign/Likely benign. Review status: criteria provided, multiple submitters, no conflicts (2 of 4 stars). 2 submissions from 2 submitters: Benign (1); Likely benign (1). Last evaluated 2024-07-30.

Conditions:
Hereditary cancer-predisposing syndrome. Also called: Neoplastic Syndromes, Hereditary; Tumor predisposition; Hereditary Cancer Syndrome; Hereditary neoplastic syndrome. Identifiers: Orphanet 140162, MedGen C0027672, MeSH D009386, MONDO:0015356.
Familial cancer of breast. Also called: hereditary breast carcinoma; Hereditary breast cancer; BREAST CANCER, FAMILIAL. Identifiers: Orphanet 227535, MedGen C0346153, MONDO:0016419, OMIM 114480. Disease mechanism: loss of function.

Submissions (2):

Myriad Genetics, Inc.
Classification: Benign for Familial cancer of breast. Last evaluated: 2024-07-30. Review status: criteria provided, single submitter. Criteria: Myriad Autosomal Dominant, Autosomal Recessive and X-Linked Classification Criteria (2023). Collection method: clinical testing. Allele origin: unknown.
Comment: This variant is considered benign. This variant is a silent/synonymous amino acid change and it is not expected to impact splicing.

Ambry Genetics
Classification: Likely benign for Hereditary cancer-predisposing syndrome. Last evaluated: 2024-07-24. Review status: criteria provided, single submitter. Criteria: Ambry Variant Classification Scheme 2023. Collection method: clinical testing. Allele origin: germline.

NM_000465.4(BARD1):c.2325T>C (p.Leu775=)

Gene: BARD1 (BRCA1 associated RING domain 1; minus strand). Cytogenetic location: 2q35.
Variant type: single nucleotide variant.
Coding change: c.2325T>C on transcript NM_000465.4 (MANE Select); coding-DNA position 2325, T replaced by C.
Protein change: p.Leu775=; no amino-acid change (leucine 775 retained).
Molecular consequence: synonymous variant. On other transcripts: non-coding transcript variant (3).
Genome position (GRCh38, 1-based): chr2:214,728,685, A>G on the plus strand (T>C on the coding strand, the complement: BARD1 is on the minus strand). VCF-style: chr2-214728685-A-G. GRCh37 (hg19) VCF-style: chr2-215593409-A-G.
Other names: c.2268T>C, p.Leu756= (NM_001282543.2); c.972T>C, p.Leu324= (NM_001282545.2); c.915T>C, p.Leu305= (NM_001282548.2); c.786T>C, p.Leu262= (NM_001282549.2); c.2325T>C (NM_000465.2).
Identifiers: ClinVar variation 3378629 (VCV003378629.2).